The following is an entry in ClinVar:

NM_001195263.2(PDZD7):c.1934-55C>T

Gene: PDZD7 (PDZ domain containing 7; minus strand). Cytogenetic location: 10q24.31.
Variant type: single nucleotide variant.
Coding change: c.1934-55C>T on transcript NM_001195263.2 (MANE Select); 55 bases into the intron before coding-DNA position 1934, C replaced by T.
Molecular consequence: intron variant.
Genome position (GRCh38, 1-based): chr10:101,011,816, G>A on the plus strand (C>T on the coding strand, the complement: PDZD7 is on the minus strand). VCF-style: chr10-101011816-G-A. GRCh37 (hg19) VCF-style: chr10-102771573-G-A.
Identifiers: ClinVar variation 677233 (VCV000677233.4), dbSNP rs807020, ClinGen allele CA13167058.

ClinVar aggregate classification (germline): Benign. Review status: criteria provided, multiple submitters, no conflicts (2 of 4 stars). 4 submissions from 3 submitters: Benign (4). Last evaluated 2021-09-05.

Conditions:
Hearing loss, autosomal recessive 57. Also called: DEAFNESS, AUTOSOMAL RECESSIVE 57. Identifiers: MedGen C4693893, MONDO:0033201, OMIM 618003.
Usher syndrome type 2C. Also called: Usher syndrome, type 2B; USHER SYNDROME, TYPE IIC. Identifiers: Orphanet 231178, Orphanet 886, MedGen C2931213, MONDO:0011558, OMIM 605472.

Allele frequency attached by ClinVar (database versions not stated): gnomAD exomes 0.25810; gnomAD 0.28374 and 0.28888; TOPMed 0.29939; 1000 Genomes Project 30x 0.37071; 1000 Genomes Project 0.37680.
gnomAD v4.1: 405,448 of 1,550,204 alleles (26%); highest among the groups gnomAD compares: East Asian, 59%; 57,114 homozygotes.

Submissions (4):

Genome-Nilou Lab
Classification: Benign for Hearing loss, autosomal recessive 57. Last evaluated: 2021-09-05. Review status: criteria provided, single submitter. Criteria: ACMG Guidelines, 2015. Collection method: clinical testing. Allele origin: germline. Affected: no.

Genome-Nilou Lab
Classification: Benign for Usher syndrome type 2C. Last evaluated: 2021-09-05. Review status: criteria provided, single submitter. Criteria: ACMG Guidelines, 2015. Collection method: clinical testing. Allele origin: germline. Affected: no.

GeneDx
Classification: Benign. Last evaluated: 2018-06-14. Review status: criteria provided, single submitter. Criteria: GeneDx Variant Classification (06012015). Collection method: clinical testing. Allele origin: germline. Affected: yes.
Comment: This variant is considered likely benign or benign based on one or more of the following criteria: it is a conservative change, it occurs at a poorly conserved position in the protein, it is predicted to be benign by multiple in silico algorithms, and/or has population frequency not consistent with disease.

Breakthrough Genomics
Classification: Benign. Review status: criteria provided, single submitter. Criteria: ACMG Guidelines, 2015. Collection method: not provided. Allele origin: germline. Inheritance: Autosomal recessive inheritance. Affected: yes.